The following is an entry in ClinVar:

ClinVar aggregate classification (germline): Benign/Likely benign. Review status: criteria provided, multiple submitters, no conflicts (2 of 4 stars). 5 submissions from 5 submitters: Benign (2); Likely benign (3). Last evaluated 2026-01-21.

Conditions:
Aortic aneurysm, familial thoracic 4 (AAT4). Also called: AORTIC ANEURYSM/AORTIC DISSECTION AND PATENT DUCTUS ARTERIOSUS. Identifiers: MedGen C1851504, MONDO:0007568, OMIM 132900.
Visceral myopathy 2. Identifiers: MedGen C5543466, MONDO:0859157, OMIM 619350.
Megacystis-microcolon-intestinal hypoperistalsis syndrome 2. Identifiers: MedGen C5543476, MONDO:0025708, OMIM 619351.

Allele frequency attached by ClinVar (database versions not stated): gnomAD exomes 0.00012; 1000 Genomes Project 0.00060; 1000 Genomes Project 30x 0.00062; gnomAD 0.00127 and 0.00136; ESP Exome Variant Server 0.00131; TOPMed 0.00163.
gnomAD v4.1: 400 of 1,614,138 alleles (0.025%); highest among the groups gnomAD compares: African/African-American, 0.39%; no homozygotes.

Submissions (5):

Labcorp Genetics (formerly Invitae), Labcorp
Classification: Benign for Aortic aneurysm, familial thoracic 4. Last evaluated: 2026-01-21. Review status: criteria provided, single submitter. Criteria: Invitae Variant Classification Sherloc (09022015). Collection method: clinical testing. Allele origin: germline.

Women's Health and Genetics/Laboratory Corporation of America, LabCorp
Classification: Benign. Last evaluated: 2025-06-23. Review status: criteria provided, single submitter. Criteria: LabCorp Variant Classification Summary - May 2015. Collection method: clinical testing. Allele origin: germline.

Blueprint Genetics
Classification: Likely benign. Last evaluated: 2024-08-06. Review status: criteria provided, single submitter. Criteria: ACMG Guidelines, 2015. Collection method: clinical testing. Allele origin: germline.

Fulgent Genetics
Classification: Likely benign for Aortic aneurysm, familial thoracic 4; Visceral myopathy 2; Megacystis-microcolon-intestinal hypoperistalsis syndrome 2. Last evaluated: 2021-07-08. Review status: criteria provided, single submitter. Criteria: ACMG Guidelines, 2015. Collection method: clinical testing. Allele origin: unknown.

GeneDx
Classification: Likely benign. Last evaluated: 2017-06-06. Review status: criteria provided, single submitter. Criteria: GeneDx Variant Classification (06012015). Collection method: clinical testing. Allele origin: germline. Affected: yes.
Comment: This variant is considered likely benign or benign based on one or more of the following criteria: it is a conservative change, it occurs at a poorly conserved position in the protein, it is predicted to be benign by multiple in silico algorithms, and/or has population frequency not consistent with disease.

NM_002474.3(MYH11):c.346-16G>C

Gene: MYH11 (myosin heavy chain 11; minus strand). Cytogenetic location: 16p13.11.
Variant type: single nucleotide variant.
Coding change: c.346-16G>C on transcript NM_002474.3 (MANE Select); 16 bases into the intron before coding-DNA position 346, G replaced by C.
Molecular consequence: intron variant.
Genome position (GRCh38, 1-based): chr16:15,823,427, C>G on the plus strand (G>C on the coding strand, the complement: MYH11 is on the minus strand). VCF-style: chr16-15823427-C-G. GRCh37 (hg19) VCF-style: chr16-15917284-C-G.
Other names: c.346-16G>C (NM_022844.3, NM_001040114.2, NM_001040113.2).
Identifiers: ClinVar variation 383546 (VCV000383546.12), dbSNP rs74009446, ClinGen allele CA7923070.